The following is an entry in ClinVar:

NM_003922.4(HERC1):c.5077C>T (p.His1693Tyr)

Gene: HERC1 (HECT and RLD domain containing E3 ubiquitin protein ligase family member 1; minus strand). Cytogenetic location: 15q22.31.
Variant type: single nucleotide variant.
Coding change: c.5077C>T on transcript NM_003922.4 (MANE Select); coding-DNA position 5077, C replaced by T.
Protein change: p.His1693Tyr; replaces histidine 1693 with tyrosine.
Molecular consequence: missense variant.
Genome position (GRCh38, 1-based): chr15:63,696,168, G>A on the plus strand (C>T on the coding strand, the complement: HERC1 is on the minus strand). VCF-style: chr15-63696168-G-A. GRCh37 (hg19) VCF-style: chr15-63988367-G-A.
Other names: c.5077C>T (NM_003922.3); short protein forms H1693Y.
Identifiers: ClinVar variation 1901201 (VCV001901201.3), dbSNP rs200245307, ClinGen allele CA7605650.

ClinVar aggregate classification (germline): Uncertain significance. Review status: criteria provided, multiple submitters, no conflicts (2 of 4 stars). 2 submissions from 2 submitters: Uncertain significance (2). Last evaluated 2025-08-02.

Conditions:
Inborn genetic diseases. Identifiers: MedGen C0950123, MeSH D030342.

Allele frequency attached by ClinVar (database versions not stated): gnomAD 0.00001; TOPMed 0.00001; gnomAD exomes 0.00002; ExAC 0.00003; ESP Exome Variant Server 0.00008.
gnomAD v4.1: 33 of 1,613,558 alleles (0.002%); highest among the groups gnomAD compares: Non-Finnish European, 0.0026%; no homozygotes.

Submissions (2):

Ambry Genetics
Classification: Uncertain significance for Inborn genetic diseases. Last evaluated: 2025-08-02. Review status: criteria provided, single submitter. Criteria: Ambry Variant Classification Scheme 2023. Collection method: clinical testing. Allele origin: germline.

Labcorp Genetics (formerly Invitae), Labcorp
Classification: Uncertain significance. Last evaluated: 2022-05-30. Review status: criteria provided, single submitter. Criteria: Invitae Variant Classification Sherloc (09022015). Collection method: clinical testing. Allele origin: germline.
Comment: This sequence change replaces histidine, which is basic and polar, with tyrosine, which is neutral and polar, at codon 1693 of the HERC1 protein (p.His1693Tyr). This variant is present in population databases (rs200245307, gnomAD 0.003%). This variant has not been reported in the literature in individuals affected with HERC1-related conditions. Algorithms developed to predict the effect of missense changes on protein structure and function (SIFT, PolyPhen-2, Align-GVGD) all suggest that this variant is likely to be tolerated. In summary, the available evidence is currently insufficient to determine the role of this variant in disease. Therefore, it has been classified as a Variant of Uncertain Significance.